The following is an entry in ClinVar:

ClinVar aggregate classification (germline): Uncertain significance. Review status: criteria provided, multiple submitters, no conflicts (2 of 4 stars). 3 submissions from 3 submitters: Uncertain significance (3). Last evaluated 2025-03-31.

Conditions:
Cardiovascular phenotype. Identifiers: MedGen CN230736.
Dilated cardiomyopathy 1M (CMD1M). Identifiers: Orphanet 154, MedGen C1843808, MONDO:0011840, OMIM 607482.
Hypertrophic cardiomyopathy 12. Identifiers: MedGen C2677491, MONDO:0012804, OMIM 612124.

gnomAD v4.1: 1 of 1,614,004 alleles (0.000062%); highest among the groups gnomAD compares: Non-Finnish European, 0.000085%; no homozygotes.

Submissions (3):

Labcorp Genetics (formerly Invitae), Labcorp
Classification: Uncertain significance for Hypertrophic cardiomyopathy 12; Dilated cardiomyopathy 1M. Last evaluated: 2025-03-31. Review status: criteria provided, single submitter. Criteria: Invitae Variant Classification Sherloc (09022015). Collection method: clinical testing. Allele origin: germline.
Comment: This sequence change replaces proline, which is neutral and non-polar, with alanine, which is neutral and non-polar, at codon 178 of the CSRP3 protein (p.Pro178Ala). This variant is present in population databases (rs749002955, gnomAD 0.0009%). This variant has not been reported in the literature in individuals affected with CSRP3-related conditions. ClinVar contains an entry for this variant (Variation ID: 1305687). An algorithm developed to predict the effect of missense changes on protein structure and function (PolyPhen-2) suggests that this variant is likely to be disruptive. In summary, the available evidence is currently insufficient to determine the role of this variant in disease. Therefore, it has been classified as a Variant of Uncertain Significance.

Ambry Genetics
Classification: Uncertain significance for Cardiovascular phenotype. Last evaluated: 2020-07-20. Review status: criteria provided, single submitter. Criteria: Ambry Variant Classification Scheme 2023. Collection method: clinical testing. Allele origin: germline.
Comment: The p.P178A variant (also known as c.532C>G), located in coding exon 5 of the CSRP3 gene, results from a C to G substitution at nucleotide position 532. The proline at codon 178 is replaced by alanine, an amino acid with highly similar properties. This amino acid position is highly conserved in available vertebrate species. In addition, the in silico prediction for this alteration is inconclusive. Since supporting evidence is limited at this time, the clinical significance of this alteration remains unclear.

GeneDx
Classification: Uncertain significance. Last evaluated: 2019-05-07. Review status: criteria provided, single submitter. Criteria: GeneDx Variant Classification Process June 2021. Collection method: clinical testing. Allele origin: germline. Affected: yes.
Comment: Has not been previously published as pathogenic or benign to our knowledge; Not observed at a significant frequency in large population cohorts (Lek et al., 2016); In silico analysis, which includes protein predictors and evolutionary conservation, supports a deleterious effect

NM_003476.5(CSRP3):c.532C>G (p.Pro178Ala)

Gene: CSRP3 (cysteine and glycine rich protein 3; minus strand). Cytogenetic location: 11p15.1.
Variant type: single nucleotide variant.
Coding change: c.532C>G on transcript NM_003476.5 (MANE Select); coding-DNA position 532, C replaced by G.
Protein change: p.Pro178Ala; replaces proline 178 with alanine.
Molecular consequence: missense variant. On other transcripts: synonymous variant (1).
Genome position (GRCh38, 1-based): chr11:19,182,723, G>C on the plus strand (C>G on the coding strand, the complement: CSRP3 is on the minus strand). VCF-style: chr11-19182723-G-C. GRCh37 (hg19) VCF-style: chr11-19204270-G-C.
Other names: c.363C>G, p.Ala121= (NM_001369404.1); short protein forms P178A.
Identifiers: ClinVar variation 1305687 (VCV001305687.6), dbSNP rs749002955, ClinGen allele CA5916511.
Genomic context (GRCh38, chr11:19,182,723, plus strand): 5'-CACCTCTTCATTCTTTCTTTTCCACTTGTTGTGTAAGGCCTCCAAACCCAATACCCGTGG[G>C]GCCAAAATTTTTGGCATAGCAAACTGTGAATGAGAAGAGGATGAAGGGAGAGACAATGCA-3'
Protein context (NP_003467.1, residues 168-188): CKVCYAKNFG[Pro178Ala]TGIGFGGLTQ